The following is an entry in ClinVar:

ClinVar aggregate classification (germline): Uncertain significance (1 of 4 stars; one submission).

Conditions:
Complement component 3 deficiency. Identifiers: Orphanet 280133, MedGen C3151071, MONDO:0013417, OMIM 613779.
C3 glomerulonephritis. Also called: Nephropathy due to CFHR5 Deficiency; C3 GLOMERULOPATHY 3. Identifiers: Orphanet 329931, MedGen C4055342, MONDO:0013892, OMIM 614809.
Atypical hemolytic-uremic syndrome. Identifiers: Orphanet 2134, MedGen C2931788, MONDO:0016244.

Submission:

Genomenon, Inc
Classification: Uncertain significance for Complement component 3 deficiency; C3 glomerulonephritis; Atypical hemolytic-uremic syndrome. Last evaluated: 2025-09-30. Review status: criteria provided, single submitter. Criteria: Genomenon Sequence Variant Interpretation Standards. Collection method: curation. Allele origin: germline. Affected: no.
Comment: C3 p.Glu1032Gln (c.3094G>C) is a missense variant that changes the amino acid at residue 1032 from Glutamic acid to Glutamine. This variant has been reported in the published literature (PMID:11034390;15187133). It is absent or not present at a significant frequency in gnomAD. In silico models agree that this variant is not damaging. In conclusion, we classify C3 p.Glu1032Gln (c.3094G>C) as a variant of unknown significance.

Literature cited by the submitters: PubMed 11034390; PubMed 15187133.

NM_000064.4(C3):c.3094G>C (p.Glu1032Gln)

Gene: C3 (complement C3; minus strand). Cytogenetic location: 19p13.3.
Variant type: single nucleotide variant.
Coding change: c.3094G>C on transcript NM_000064.4 (MANE Select); coding-DNA position 3094, G replaced by C.
Protein change: p.Glu1032Gln; replaces glutamic acid 1032 with glutamine.
Molecular consequence: missense variant.
Genome position (GRCh38, 1-based): chr19:6,694,491, C>G on the plus strand (G>C on the coding strand, the complement: C3 is on the minus strand). VCF-style: chr19-6694491-C-G. GRCh37 (hg19) VCF-style: chr19-6694502-C-G.
Other names: short protein forms E1032Q.
Identifiers: ClinVar variation 4280182 (VCV004280182.1).
Genomic context (GRCh38, chr19:6,694,491, plus strand): 5'-CCTTCTTGATGAGCTCCAAGGCCCCCTGCCGCTTCTCTAGGCCGAACTTCTCCCACTGCT[C>G]CGTTTCATCCAGGTAATGCACAGCGATGACCGTGGGCGTCATGCCGATCATGTTCTGTTC-3'
Protein context (NP_000055.2, residues 1022-1042): VIAVHYLDET[Glu1032Gln]QWEKFGLEKR